The following is an entry in ClinVar:

ClinVar aggregate classification (germline): Uncertain significance (1 of 4 stars; one submission).

Submission:

Labcorp Genetics (formerly Invitae), Labcorp
Classification: Uncertain significance. Last evaluated: 2025-02-15. Review status: criteria provided, single submitter. Criteria: Invitae Variant Classification Sherloc (09022015). Collection method: clinical testing. Allele origin: germline.
Comment: This sequence change replaces tyrosine, which is neutral and polar, with aspartic acid, which is acidic and polar, at codon 531 of the RIPK1 protein (p.Tyr531Asp). This variant is not present in population databases (gnomAD no frequency). This variant has not been reported in the literature in individuals affected with RIPK1-related conditions. An algorithm developed to predict the effect of missense changes on protein structure and function (PolyPhen-2) suggests that this variant is likely to be disruptive. In summary, the available evidence is currently insufficient to determine the role of this variant in disease. Therefore, it has been classified as a Variant of Uncertain Significance.

NM_001354930.2(RIPK1):c.1591T>G (p.Tyr531Asp)

Gene: RIPK1 (receptor interacting serine/threonine kinase 1; plus strand). Cytogenetic location: 6p25.2.
Variant type: single nucleotide variant.
Coding change: c.1591T>G on transcript NM_001354930.2 (MANE Select); coding-DNA position 1591, T replaced by G.
Protein change: p.Tyr531Asp; replaces tyrosine 531 with aspartic acid.
Molecular consequence: missense variant.
Genome position (GRCh38, 1-based): chr6:3,110,817, T>G. VCF-style: chr6-3110817-T-G. GRCh37 (hg19) VCF-style: chr6-3111051-T-G.
Other names: c.1102T>G, p.Tyr368Asp (NM_001317061.3, NM_001354932.2, NM_001354933.2 and 1 more transcripts); c.1453T>G, p.Tyr485Asp (NM_001354931.2); c.1591T>G, p.Tyr531Asp (NM_003804.6); short protein forms Y485D, Y531D, Y368D.
Identifiers: ClinVar variation 4713121 (VCV004713121.1).